The following is an entry in ClinVar:

NM_000377.3(WAS):c.734+2T>A

Gene: WAS (WASP actin nucleation promoting factor; plus strand). Cytogenetic location: Xp11.23.
Variant type: single nucleotide variant.
Coding change: c.734+2T>A on transcript NM_000377.3 (MANE Select); the canonical splice donor site of the intron after coding-DNA position 734, T replaced by A.
Molecular consequence: splice donor variant.
Genome position (GRCh38, 1-based): chrX:48,686,957, T>A. VCF-style: chrX-48686957-T-A. GRCh37 (hg19) VCF-style: chrX-48545346-T-A.
Identifiers: ClinVar variation 577637 (VCV000577637.9), dbSNP rs1569493877, ClinGen allele CA412871162.

ClinVar aggregate classification (germline): Pathogenic (1 of 4 stars; one submission).

Conditions:
X-linked severe congenital neutropenia (SCNX). Identifiers: Orphanet 86788, MedGen C1845987, MONDO:0010294, OMIM 300299.
Thrombocytopenia 1. Also called: X-linked thrombocytopenia with normal platelets; X-Linked Thrombocytopenia (XLT); THROMBOCYTOPENIA, X-LINKED, 1. Identifiers: Orphanet 268322, Orphanet 852, MedGen C1839163, MONDO:0010743, OMIM 313900.
Wiskott-Aldrich syndrome (WAS). Also called: WISKOTT-ALDRICH SYNDROME 1; ALDRICH SYNDROME; IMMUNODEFICIENCY 2; Wiskott-aldrich syndrome, somatic. Identifiers: Orphanet 906, MedGen C0043194, MONDO:0010518, OMIM 301000.

Submission:

Labcorp Genetics (formerly Invitae), Labcorp
Classification: Pathogenic for Wiskott-Aldrich syndrome; X-linked severe congenital neutropenia; Thrombocytopenia 1. Last evaluated: 2018-03-28. Review status: criteria provided, single submitter. Criteria: Invitae Variant Classification Sherloc (09022015). Collection method: clinical testing. Allele origin: germline.
Comment: This sequence change affects a donor splice site in intron 7 of the WAS gene. It is expected to disrupt RNA splicing and likely results in an absent or disrupted protein product. This variant is not present in population databases (ExAC no frequency). This variant has not been reported in the literature in individuals with WAS-related disease. A different variant affecting this nucleotide (c.734+2T>C), also known as IVS7+2T>C in the literature, has been determined to be pathogenic (PMID: 25931402). This suggests that this nucleotide is important for normal RNA splicing, and that other variants at this position may also be pathogenic. Donor and acceptor splice site variants typically lead to a loss of protein function (PMID: 16199547), and loss-of-function variants in WAS are known to be pathogenic (PMID: 15284122). For these reasons, this variant has been classified as Pathogenic.

Literature cited by the submitters: PubMed 25931402; PubMed 16199547; PubMed 15284122.